The following is an entry in ClinVar:

ClinVar aggregate classification (germline): Pathogenic (1 of 4 stars; one submission).

Conditions:
Hereditary cancer-predisposing syndrome. Also called: Neoplastic Syndromes, Hereditary; Tumor predisposition; Hereditary neoplastic syndrome; Hereditary Cancer Syndrome. Identifiers: Orphanet 140162, MedGen C0027672, MeSH D009386, MONDO:0015356.

Submission:

Ambry Genetics
Classification: Pathogenic for Hereditary cancer-predisposing syndrome. Last evaluated: 2022-12-14. Review status: criteria provided, single submitter. Criteria: Ambry Variant Classification Scheme 2023. Collection method: clinical testing. Allele origin: germline.
Comment: The p.Q393* pathogenic mutation (also known as c.1177C>T), located in coding exon 12 of the BAP1 gene, results from a C to T substitution at nucleotide position 1177. This changes the amino acid from a glutamine to a stop codon within coding exon 12. This alteration has been observed in at least one individual with a personal and/or family history that is consistent with BAP1-related disease (Ambry internal data). This alteration is expected to result in loss of function by premature protein truncation or nonsense-mediated mRNA decay. As such, this alteration is interpreted as a disease-causing mutation.

NM_004656.4(BAP1):c.1177C>T (p.Gln393Ter)

Gene: BAP1 (BRCA1 associated deubiquitinase 1; minus strand). Cytogenetic location: 3p21.1.
Variant type: single nucleotide variant.
Coding change: c.1177C>T on transcript NM_004656.4 (MANE Select); coding-DNA position 1177, C replaced by T.
Protein change: p.Gln393Ter; replaces glutamine 393 with a stop codon.
Molecular consequence: nonsense.
Genome position (GRCh38, 1-based): chr3:52,404,526, G>A on the plus strand (C>T on the coding strand, the complement: BAP1 is on the minus strand). VCF-style: chr3-52404526-G-A. GRCh37 (hg19) VCF-style: chr3-52438542-G-A.
Other names: c.1123C>T, p.Gln375Ter (NM_001410772.1); short protein forms Q375*, Q393*.
Identifiers: ClinVar variation 2450419 (VCV002450419.2), dbSNP rs878874989, ClinGen allele CA353103193.